The following is an entry in ClinVar:

ClinVar aggregate classification (germline): Uncertain significance. Review status: criteria provided, multiple submitters, no conflicts (2 of 4 stars). 2 submissions from 2 submitters: Uncertain significance (2). Last evaluated 2025-05-04.

Conditions:
KBG syndrome (KBGS). Also called: ANKRD11-Related KBG Syndrome. Identifiers: Orphanet 2332, MedGen C0220687, MONDO:0007846, OMIM 148050.

Allele frequency attached by ClinVar (database versions not stated): gnomAD exomes below 0.00001; gnomAD 0.00001; TOPMed 0.00001.
gnomAD v4.1: 5 of 1,597,022 alleles (0.00031%); highest among the groups gnomAD compares: East Asian, 0.0022%; no homozygotes.

Submissions (2):

Labcorp Genetics (formerly Invitae), Labcorp
Classification: Uncertain significance for KBG syndrome. Last evaluated: 2025-05-04. Review status: criteria provided, single submitter. Criteria: Invitae Variant Classification Sherloc (09022015). Collection method: clinical testing. Allele origin: germline.
Comment: This sequence change replaces glutamic acid, which is acidic and polar, with lysine, which is basic and polar, at codon 2082 of the ANKRD11 protein (p.Glu2082Lys). This variant is present in population databases (no rsID available, gnomAD 0.06%). This missense change has been observed in individual(s) with clinical features of ANKRD11-related conditions (PMID: 33258288). ClinVar contains an entry for this variant (Variation ID: 1677875). Invitae Evidence Modeling of protein sequence and biophysical properties (such as structural, functional, and spatial information, amino acid conservation, physicochemical variation, residue mobility, and thermodynamic stability) indicates that this missense variant is not expected to disrupt ANKRD11 protein function with a negative predictive value of 95%. In summary, the available evidence is currently insufficient to determine the role of this variant in disease. Therefore, it has been classified as a Variant of Uncertain Significance.

AiLife Diagnostics
Classification: Uncertain significance. Last evaluated: 2022-02-01. Review status: criteria provided, single submitter. Criteria: ACMG Guidelines, 2015. Collection method: clinical testing. Allele origin: germline. Affected: yes. Observed: 1 variant allele.

Literature cited by the submitters: PubMed 33258288 (cited by Labcorp Genetics (formerly Invitae), Labcorp and AiLife Diagnostics).

NM_013275.6(ANKRD11):c.6244G>A (p.Glu2082Lys)

Gene: ANKRD11 (ankyrin repeat domain 11; minus strand). Cytogenetic location: 16q24.3.
Variant type: single nucleotide variant.
Coding change: c.6244G>A on transcript NM_013275.6 (MANE Select); coding-DNA position 6244, G replaced by A.
Protein change: p.Glu2082Lys; replaces glutamic acid 2082 with lysine.
Molecular consequence: missense variant.
Genome position (GRCh38, 1-based): chr16:89,280,298, C>T on the plus strand (G>A on the coding strand, the complement: ANKRD11 is on the minus strand). VCF-style: chr16-89280298-C-T. GRCh37 (hg19) VCF-style: chr16-89346706-C-T.
Other names: c.6244G>A, p.Glu2082Lys (NM_001256182.2, NM_001256183.2); short protein forms E2082K.
Identifiers: ClinVar variation 1677875 (VCV001677875.2), dbSNP rs1239700248, ClinGen allele CA397151571.